The following is an entry in ClinVar:

NM_000051.4(ATM):c.2563A>C (p.Met855Leu)

Gene: ATM (ATM serine/threonine kinase; plus strand). Cytogenetic location: 11q22.3.
Variant type: single nucleotide variant.
Coding change: c.2563A>C on transcript NM_000051.4 (MANE Select); coding-DNA position 2563, A replaced by C.
Protein change: p.Met855Leu; replaces methionine 855 with leucine.
Molecular consequence: missense variant.
Genome position (GRCh38, 1-based): chr11:108,267,267, A>C. VCF-style: chr11-108267267-A-C. GRCh37 (hg19) VCF-style: chr11-108137994-A-C.
Other names: c.2563A>C, p.Met855Leu (NM_001351834.2); short protein forms M855L.
Identifiers: ClinVar variation 2568229 (VCV002568229.2), dbSNP rs749844591, ClinGen allele CA382543804.

ClinVar aggregate classification (germline): Uncertain significance (1 of 4 stars; one submission).

Conditions:
Hereditary cancer-predisposing syndrome. Also called: Hereditary neoplastic syndrome; Hereditary Cancer Syndrome; Neoplastic Syndromes, Hereditary; Tumor predisposition. Identifiers: Orphanet 140162, MedGen C0027672, MeSH D009386, MONDO:0015356.

Submission:

Ambry Genetics
Classification: Uncertain significance for Hereditary cancer-predisposing syndrome. Last evaluated: 2023-05-21. Review status: criteria provided, single submitter. Criteria: Ambry Variant Classification Scheme 2023. Collection method: clinical testing. Allele origin: germline.
Comment: The p.M855L variant (also known as c.2563A>C), located in coding exon 16 of the ATM gene, results from an A to C substitution at nucleotide position 2563. The methionine at codon 855 is replaced by leucine, an amino acid with highly similar properties. This amino acid position is conserved. In addition, this alteration is predicted to be tolerated by in silico analysis. Since supporting evidence is limited at this time, the clinical significance of this alteration remains unclear.